The following is an entry in ClinVar:

NM_005633.4(SOS1):c.420C>G (p.Asp140Glu)

Gene: SOS1 (SOS Ras/Rac guanine nucleotide exchange factor 1; minus strand). Cytogenetic location: 2p22.1.
Variant type: single nucleotide variant.
Coding change: c.420C>G on transcript NM_005633.4 (MANE Select); coding-DNA position 420, C replaced by G.
Protein change: p.Asp140Glu; replaces aspartic acid 140 with glutamic acid.
Molecular consequence: missense variant.
Genome position (GRCh38, 1-based): chr2:39,056,792, G>C on the plus strand (C>G on the coding strand, the complement: SOS1 is on the minus strand). VCF-style: chr2-39056792-G-C. GRCh37 (hg19) VCF-style: chr2-39283933-G-C.
Other names: c.399C>G, p.Asp133Glu (NM_001382394.1); c.420C>G, p.Asp140Glu (NM_001382395.1); short protein forms D133E, D140E.
Identifiers: ClinVar variation 3626893 (VCV003626893.3).

ClinVar aggregate classification (germline): Uncertain significance. Review status: criteria provided, multiple submitters, no conflicts (2 of 4 stars). 2 submissions from 2 submitters: Uncertain significance (2). Last evaluated 2025-04-01.

Conditions:
RASopathy. Also called: rasopathies; Noonan spectrum disorder. Identifiers: Orphanet 536391, MedGen C5555857, MONDO:0021060.

Submissions (2):

Labcorp Genetics (formerly Invitae), Labcorp
Classification: Uncertain significance for RASopathy. Last evaluated: 2025-04-01. Review status: criteria provided, single submitter. Criteria: Invitae Variant Classification Sherloc (09022015). Collection method: clinical testing. Allele origin: germline.
Comment: This sequence change replaces aspartic acid, which is acidic and polar, with glutamic acid, which is acidic and polar, at codon 140 of the SOS1 protein (p.Asp140Glu). This variant is not present in population databases (gnomAD no frequency). This variant has not been reported in the literature in individuals affected with SOS1-related conditions. Invitae Evidence Modeling of protein sequence and biophysical properties (such as structural, functional, and spatial information, amino acid conservation, physicochemical variation, residue mobility, and thermodynamic stability) has been performed for this missense variant. However, the output from this modeling did not meet the statistical confidence thresholds required to predict the impact of this variant on SOS1 protein function. In summary, the available evidence is currently insufficient to determine the role of this variant in disease. Therefore, it has been classified as a Variant of Uncertain Significance.

GeneDx
Classification: Uncertain significance. Last evaluated: 2024-08-28. Review status: criteria provided, single submitter. Criteria: GeneDx Variant Classification Process June 2021. Collection method: clinical testing. Allele origin: germline. Affected: yes.
Comment: Not observed at significant frequency in large population cohorts (gnomAD); Missense variants in this gene are a common cause of disease and they are underrepresented in the general population; In silico analysis supports that this missense variant has a deleterious effect on protein structure/function; Has not been previously published as pathogenic or benign to our knowledge; This variant is associated with the following publications: (PMID: 29493581)